The following is an entry in ClinVar:

NM_001002030.2(ECHDC1):c.221-4_222delinsTA

Gene: ECHDC1 (ethylmalonyl-CoA decarboxylase 1; minus strand). Cytogenetic location: 6q22.33.
Variant type: Indel.
Coding change: c.221-4_222delinsTA on transcript NM_001002030.2 (MANE Select); 4 bases into the intron before coding-DNA position 221 through coding-DNA position 222, GCAGGT replaced by TA.
Molecular consequence: splice acceptor variant.
Genome position (GRCh38, 1-based): chr6:127,327,143-127,327,148, ACCTGC replaced by TA on the plus strand (GCAGGT replaced by TA on the coding strand, the reverse complement: ECHDC1 is on the minus strand). VCF-style: chr6-127327143-ACCTGC-TA. GRCh37 (hg19) VCF-style: chr6-127648288-ACCTGC-TA.
Other names: c.-5-4_-4delinsTA (NM_001105545.2, NM_001105544.2); c.221-4_222delinsTA (NM_018479.4); c.239-4_240delinsTA (NM_001139510.2).
Identifiers: ClinVar variation 978062 (VCV000978062.2), dbSNP rs1783424526, ClinGen allele CA1662189274.

ClinVar aggregate classification (germline): Likely pathogenic (1 of 4 stars; one submission).

Conditions:
Deficiency of butyryl-CoA dehydrogenase (ACADSD). Also called: SCAD Deficiency; SCADH DEFICIENCY; SCAD DEFICIENCY, MILD; ACYL-CoA DEHYDROGENASE, SHORT-CHAIN, DEFICIENCY OF; ACADS DEFICIENCY; Short-Chain Acyl-CoA Dehydrogenase Deficiency. Identifiers: Orphanet 26792, MedGen C0342783, MONDO:0008722, OMIM 201470. Disease mechanism: May be benign.

Submission:

Research Unit for Molecular Medicine, Department for Clinical Medicine, Aarhus University
Classification: Likely pathogenic for Deficiency of butyryl-CoA dehydrogenase. Last evaluated: 2019-09-12. Review status: criteria provided, single submitter. Criteria: ACMG Guidelines, 2015. Collection method: research. Allele origin: unknown. Inheritance: Oligogenic inheritance. Affected: yes. Observed: 1 variant allele, 1 heterozygote.
Comment: ECHDC1 encodes a 'metabolite repair enzyme' detoxifying ethylmalonic acid (EMA), which is the biochemical hallmark of short-chain acyl-CoA dehydrogenase deficiency (OMIM:201470), caused by biallelic ACADS variants. We provide functional evidence that ECHDC1 c.221-4_222delinTA is a loss-of function (LOF) variant. The variant was identified in the heterozygous state together with a homozygous ACADS NM_000017.2:c.625G>A susceptibility variant. We provide functional evidence that ECHDC1 haploinsufficiency in combination with ACADS c.625G>A susceptibility variants has a synergistic effect on cellular EMA levels. In a cohort of 82 genetically unsolved EMA patients, we found three unrelated cases with heterozygous LOF ECHDC1 variants combined with ACADS c.625G>A suceptibility variants.